The following is an entry in ClinVar:

ClinVar aggregate classification (germline): Uncertain significance (1 of 4 stars; one submission).

Conditions:
Arrhythmogenic right ventricular dysplasia 9 (ARVD9). Also called: Arrhythmogenic Right Ventricular Dysplasia/Cardiomyopathy 9; ARRHYTHMOGENIC RIGHT VENTRICULAR DYSPLASIA, FAMILIAL, 9. Identifiers: MedGen C1836906, MONDO:0012180, OMIM 609040.

Submission:

Labcorp Genetics (formerly Invitae), Labcorp
Classification: Uncertain significance for Arrhythmogenic right ventricular dysplasia 9. Last evaluated: 2025-05-07. Review status: criteria provided, single submitter. Criteria: Invitae Variant Classification Sherloc (09022015). Collection method: clinical testing. Allele origin: germline.
Comment: This sequence change falls in intron 1 of the PKP2 gene. It does not directly change the encoded amino acid sequence of the PKP2 protein. It affects a nucleotide within the consensus splice site. This variant is not present in population databases (gnomAD no frequency). This variant has not been reported in the literature in individuals affected with PKP2-related conditions. Variants that disrupt the consensus splice site are a relatively common cause of aberrant splicing (PMID: 17576681, 9536098). Algorithms developed to predict the effect of sequence changes on RNA splicing suggest that this variant may disrupt the consensus splice site. In summary, the available evidence is currently insufficient to determine the role of this variant in disease. Therefore, it has been classified as a Variant of Uncertain Significance.

Literature cited by the submitters: PubMed 17576681; PubMed 9536098.

NM_001005242.3(PKP2):c.223+5G>A

Gene: PKP2 (plakophilin 2; minus strand). Cytogenetic location: 12p11.21.
Variant type: single nucleotide variant.
Coding change: c.223+5G>A on transcript NM_001005242.3 (MANE Select); 5 bases into the intron after coding-DNA position 223, G replaced by A.
Molecular consequence: intron variant.
Genome position (GRCh38, 1-based): chr12:32,896,504, C>T on the plus strand (G>A on the coding strand, the complement: PKP2 is on the minus strand). VCF-style: chr12-32896504-C-T. GRCh37 (hg19) VCF-style: chr12-33049438-C-T.
Other names: c.223+5G>A (NM_001407156.1, NM_001407155.1, NM_004572.4 and 2 more transcripts); c.-368+5G>A (NM_001407160.1, NM_001407159.1); c.-604+5G>A (NM_001407158.1, NM_001407162.1).
Identifiers: ClinVar variation 4706595 (VCV004706595.1).